The following is an entry in ClinVar:

NM_014244.5(ADAMTS2):c.1271G>A (p.Arg424His)

Gene: ADAMTS2 (ADAM metallopeptidase with thrombospondin type 1 motif 2; minus strand). Cytogenetic location: 5q35.3.
Variant type: single nucleotide variant.
Coding change: c.1271G>A on transcript NM_014244.5 (MANE Select); coding-DNA position 1271, G replaced by A.
Protein change: p.Arg424His; replaces arginine 424 with histidine.
Molecular consequence: missense variant.
Genome position (GRCh38, 1-based): chr5:179,154,160, C>T on the plus strand (G>A on the coding strand, the complement: ADAMTS2 is on the minus strand). VCF-style: chr5-179154160-C-T. GRCh37 (hg19) VCF-style: chr5-178581161-C-T.
Other names: c.1271G>A, p.Arg424His (NM_021599.4); short protein forms R424H.
Identifiers: ClinVar variation 1926633 (VCV001926633.4), dbSNP rs771811363, ClinGen allele CA3595975.

ClinVar aggregate classification (germline): Uncertain significance (1 of 4 stars; one submission).

Conditions:
Ehlers-Danlos syndrome, dermatosparaxis type. Also called: Dermatosparaxis; Ehlers-Danlos syndrome, type VII, autosomal recessive; EDS VIIC. Identifiers: Orphanet 1901, MedGen C2700425, MONDO:0009161, OMIM 225410.

Allele frequency attached by ClinVar (database versions not stated): TOPMed 0.00001.
gnomAD v4.1: 14 of 1,571,394 alleles (0.00089%); highest among the groups gnomAD compares: African/African-American, 0.0027%; no homozygotes.

Submission:

Labcorp Genetics (formerly Invitae), Labcorp
Classification: Uncertain significance for Ehlers-Danlos syndrome, dermatosparaxis type. Last evaluated: 2024-08-28. Review status: criteria provided, single submitter. Criteria: Invitae Variant Classification Sherloc (09022015). Collection method: clinical testing. Allele origin: germline.
Comment: This sequence change replaces arginine, which is basic and polar, with histidine, which is basic and polar, at codon 424 of the ADAMTS2 protein (p.Arg424His). The frequency data for this variant in the population databases is considered unreliable, as metrics indicate poor data quality at this position in the gnomAD database. This variant has not been reported in the literature in individuals affected with ADAMTS2-related conditions. ClinVar contains an entry for this variant (Variation ID: 1926633). An algorithm developed to predict the effect of missense changes on protein structure and function (PolyPhen-2) suggests that this variant is likely to be disruptive. In summary, the available evidence is currently insufficient to determine the role of this variant in disease. Therefore, it has been classified as a Variant of Uncertain Significance.